The following is an entry in ClinVar:

NM_198578.4(LRRK2):c.5663G>A (p.Gly1888Asp)

Gene: LRRK2 (leucine rich repeat kinase 2; plus strand). Cytogenetic location: 12q12.
Variant type: single nucleotide variant.
Coding change: c.5663G>A on transcript NM_198578.4 (MANE Select); coding-DNA position 5663, G replaced by A.
Protein change: p.Gly1888Asp; replaces glycine 1888 with aspartic acid.
Molecular consequence: missense variant.
Genome position (GRCh38, 1-based): chr12:40,328,366, G>A. VCF-style: chr12-40328366-G-A. GRCh37 (hg19) VCF-style: chr12-40722168-G-A.
Other names: short protein forms G1888D.
Identifiers: ClinVar variation 3540489 (VCV003540489.1).

ClinVar aggregate classification (germline): Uncertain significance (1 of 4 stars; one submission).

Conditions:
Inborn genetic diseases. Identifiers: MedGen C0950123, MeSH D030342.

Submission:

Ambry Genetics
Classification: Uncertain significance for Inborn genetic diseases. Last evaluated: 2024-10-08. Review status: criteria provided, single submitter. Criteria: Ambry Variant Classification Scheme 2023. Collection method: clinical testing. Allele origin: germline.
Comment: The p.G1888D variant (also known as c.5663G>A), located in coding exon 39 of the LRRK2 gene, results from a G to A substitution at nucleotide position 5663. The glycine at codon 1888 is replaced by aspartic acid, an amino acid with similar properties. This amino acid position is conserved. In addition, this alteration is predicted to be deleterious by in silico analysis. Based on the available evidence, the clinical significance of this variant remains unclear.